The following is an entry in ClinVar:

ClinVar aggregate classification (germline): Conflicting classifications of pathogenicity. Review status: criteria provided, conflicting classifications (1 of 4 stars). 3 submissions from 2 submitters: Uncertain significance (1); Benign (2). Last evaluated 2025-06-15.

Conditions:
Freeman-Sheldon syndrome (DA2A). Also called: CRANIOCARPOTARSAL DYSPLASIA; CRANIOCARPOTARSAL DYSTROPHY; WHISTLING FACE-WINDMILL VANE HAND SYNDROME; Arthrogryposis, distal, type 2A (Freeman-Sheldon). Identifiers: Orphanet 2053, MedGen C0265224, MONDO:0008675, OMIM 193700.
Distal arthrogryposis type 2B1 (DA2B1). Also called: Arthrogryposis multiplex congenita distal type II with craniofacial abnormalities. Identifiers: Orphanet 1147, MedGen C5193014, MONDO:0020820, OMIM 601680.

Allele frequency attached by ClinVar (database versions not stated): ExAC 0.00011; ESP Exome Variant Server 0.00038; gnomAD 0.00039 and 0.00045; TOPMed 0.00049.
gnomAD v4.1: 147 of 1,614,184 alleles (0.0091%); highest among the groups gnomAD compares: African/African-American, 0.15%; no homozygotes.

Submissions (3):

Labcorp Genetics (formerly Invitae), Labcorp
Classification: Benign. Last evaluated: 2025-06-15. Review status: criteria provided, single submitter. Criteria: Invitae Variant Classification Sherloc (09022015). Collection method: clinical testing. Allele origin: germline.

Illumina Laboratory Services, Illumina
Classification: Uncertain significance for Distal arthrogryposis type 2B1. Last evaluated: 2018-01-13. Review status: criteria provided, single submitter. Criteria: ICSL Variant Classification Criteria 13 December 2019. Collection method: clinical testing. Allele origin: germline.

Illumina Laboratory Services, Illumina
Classification: Benign for Freeman-Sheldon syndrome. Last evaluated: 2018-01-13. Review status: criteria provided, single submitter. Criteria: ICSL Variant Classification Criteria 13 December 2019. Collection method: clinical testing. Allele origin: germline.
Comment: This variant was observed in the ICSL laboratory as part of a predisposition screen in an ostensibly healthy population. It had not been previously curated by ICSL or reported in the Human Gene Mutation Database (HGMD: prior to June 1st, 2018), and was therefore a candidate for classification through an automated scoring system. Utilizing variant allele frequency, disease prevalence and penetrance estimates, and inheritance mode, an automated score was calculated to assess if this variant is too frequent to cause the disease. Based on the score and internal cut-off values, a variant classified as benign is not then subjected to further curation. The score for this variant resulted in a classification of benign for this disease.

NM_002470.4(MYH3):c.3270A>G (p.Gln1090=)

Gene: MYH3 (myosin heavy chain 3; minus strand). Cytogenetic location: 17p13.1.
Variant type: single nucleotide variant.
Coding change: c.3270A>G on transcript NM_002470.4 (MANE Select); coding-DNA position 3270, A replaced by G.
Protein change: p.Gln1090=; no amino-acid change (glutamine 1090 retained).
Molecular consequence: synonymous variant.
Genome position (GRCh38, 1-based): chr17:10,638,942, T>C on the plus strand (A>G on the coding strand, the complement: MYH3 is on the minus strand). VCF-style: chr17-10638942-T-C. GRCh37 (hg19) VCF-style: chr17-10542259-T-C.
Identifiers: ClinVar variation 887119 (VCV000887119.8), dbSNP rs144312976, ClinGen allele CA8392570.